The following is an entry in ClinVar:

ClinVar aggregate classification (germline): Likely benign. Review status: criteria provided, multiple submitters, no conflicts (2 of 4 stars). 2 submissions from 2 submitters: Likely benign (2). Last evaluated 2025-11-17.

Conditions:
INF2-related disorder. Also called: INF2-related condition.
Focal segmental glomerulosclerosis 5 (FSGS5). Identifiers: Orphanet 656, MedGen C2750475, MONDO:0013191, OMIM 613237.
Charcot-Marie-Tooth disease dominant intermediate E. Also called: CHARCOT-MARIE-TOOTH NEUROPATHY WITH FOCAL SEGMENTAL GLOMERULONEPHRITIS. Identifiers: Orphanet 93114, MedGen C4302667, MONDO:0013758, OMIM 614455.

Allele frequency attached by ClinVar (database versions not stated): ESP Exome Variant Server 0.00016; gnomAD 0.00006.
gnomAD v4.1: 57 of 1,612,356 alleles (0.0035%); highest among the groups gnomAD compares: Non-Finnish European, 0.0047%; no homozygotes.

Submissions (2):

PreventionGenetics, part of Exact Sciences
Classification: Likely benign for INF2-related condition. Last evaluated: 2025-11-17. Review status: criteria provided, single submitter. Criteria: ACMG Guidelines, 2015. Collection method: clinical testing. Allele origin: germline.
Comment: This variant is classified as likely benign based on ACMG/AMP sequence variant interpretation guidelines (Richards et al. 2015 PMID: 25741868, with internal and published modifications).

Labcorp Genetics (formerly Invitae), Labcorp
Classification: Likely benign for Charcot-Marie-Tooth disease dominant intermediate E; Focal segmental glomerulosclerosis 5. Last evaluated: 2025-06-03. Review status: criteria provided, single submitter. Criteria: Invitae Variant Classification Sherloc (09022015). Collection method: clinical testing. Allele origin: germline.

NM_022489.4(INF2):c.1771G>C (p.Asp591His)

Gene: INF2 (inverted formin 2; plus strand). Cytogenetic location: 14q32.33.
Variant type: single nucleotide variant.
Coding change: c.1771G>C on transcript NM_022489.4 (MANE Select); coding-DNA position 1771, G replaced by C.
Protein change: p.Asp591His; replaces aspartic acid 591 with histidine.
Molecular consequence: missense variant.
Genome position (GRCh38, 1-based): chr14:104,708,471, G>C. VCF-style: chr14-104708471-G-C. GRCh37 (hg19) VCF-style: chr14-105174808-G-C.
Other names: c.1771G>C, p.Asp591His (NM_001031714.4); short protein forms D591H.
Identifiers: ClinVar variation 540046 (VCV000540046.11), dbSNP rs369421697, ClinGen allele CA7372666.